The following is an entry in ClinVar:

NM_004960.4(FUS):c.164A>G (p.Tyr55Cys)

Gene: FUS (FUS RNA binding protein; plus strand). Cytogenetic location: 16p11.2.
Variant type: single nucleotide variant.
Coding change: c.164A>G on transcript NM_004960.4 (MANE Select); coding-DNA position 164, A replaced by G.
Protein change: p.Tyr55Cys; replaces tyrosine 55 with cysteine.
Molecular consequence: missense variant. On other transcripts: non-coding transcript variant (1).
Genome position (GRCh38, 1-based): chr16:31,182,638, A>G. VCF-style: chr16-31182638-A-G. GRCh37 (hg19) VCF-style: chr16-31193959-A-G.
Other names: c.164A>G, p.Tyr55Cys (NM_001170634.1, NM_001170937.1); short protein forms Y55C.
Identifiers: ClinVar variation 1777216 (VCV001777216.2), dbSNP rs1596890201, ClinGen allele CA395665174.
Genomic context (GRCh38, chr16:31,182,638, plus strand): 5'-AGCAGAGTTACAGTGGTTATAGCCAGTCCACGGACACTTCAGGCTATGGCCAGAGCAGCT[A>G]TTCTTCTTATGGCCAGAGCCAGAACAGTGAGTCTTTCTCAGCGGGTCACCTCTTCCTACT-3'
Protein context (NP_004951.1, residues 45-65): TDTSGYGQSS[Tyr55Cys]SSYGQSQNTG

ClinVar aggregate classification (germline): Uncertain significance (1 of 4 stars; one submission).

Conditions:
Inborn genetic diseases. Identifiers: MedGen C0950123, MeSH D030342.

Allele frequency attached by ClinVar (database versions not stated): gnomAD exomes below 0.00001.

Submission:

Ambry Genetics
Classification: Uncertain significance for Inborn genetic diseases. Last evaluated: 2020-08-20. Review status: criteria provided, single submitter. Criteria: Ambry Variant Classification Scheme 2023. Collection method: clinical testing. Allele origin: germline.
Comment: The p.Y55C variant (also known as c.164A>G), located in coding exon 3 of the FUS gene, results from an A to G substitution at nucleotide position 164. The tyrosine at codon 55 is replaced by cysteine, an amino acid with highly dissimilar properties. This amino acid position is highly conserved in available vertebrate species. In addition, this alteration is predicted to be deleterious by in silico analysis. Since supporting evidence is limited at this time, the clinical significance of this alteration remains unclear.